The following is an entry in ClinVar:

ClinVar aggregate classification (germline): Benign (1 of 4 stars; one submission).

Allele frequency attached by ClinVar (database versions not stated): 1000 Genomes Project 30x 0.07167; 1000 Genomes Project 0.07308; TOPMed 0.07386; gnomAD 0.07480 and 0.07490.
gnomAD v4.1: 11,509 of 152,176 alleles (7.6%); highest among the groups gnomAD compares: East Asian, 12%; 502 homozygotes.

Submission:

GeneDx
Classification: Benign. Last evaluated: 2018-06-14. Review status: criteria provided, single submitter. Criteria: GeneDx Variant Classification (06012015). Collection method: clinical testing. Allele origin: germline. Affected: yes.
Comment: This variant is considered likely benign or benign based on one or more of the following criteria: it is a conservative change, it occurs at a poorly conserved position in the protein, it is predicted to be benign by multiple in silico algorithms, and/or has population frequency not consistent with disease.

NM_020778.5(ALPK3):c.4772+308C>T

Gene: ALPK3 (alpha kinase 3; plus strand). Cytogenetic location: 15q25.3.
Variant type: single nucleotide variant.
Coding change: c.4772+308C>T on transcript NM_020778.5 (MANE Select); 308 bases into the intron after coding-DNA position 4772, C replaced by T.
Molecular consequence: intron variant.
Genome position (GRCh38, 1-based): chr15:84,867,673, C>T. VCF-style: chr15-84867673-C-T. GRCh37 (hg19) VCF-style: chr15-85410904-C-T.
Identifiers: ClinVar variation 669872 (VCV000669872.1), dbSNP rs59022852, ClinGen allele CA273635008.